The following is an entry in ClinVar:

NM_003001.5(SDHC):c.474del (p.Thr159fs)

Gene: SDHC (succinate dehydrogenase complex subunit C; plus strand). Cytogenetic location: 1q23.3.
Variant type: Deletion.
Coding change: c.474del on transcript NM_003001.5 (MANE Select); coding-DNA position 474, one base deleted (T; older notation c.474delT).
Protein change: p.Thr159fs; shifts the reading frame from threonine 159.
Molecular consequence: frameshift variant. On other transcripts: non-coding transcript variant (1).
Genome position (GRCh38, 1-based): chr1:161,362,397, T deleted; the last of 2 consecutive T bases (chr1:161,362,396-161,362,397); deleting either gives the same sequence. VCF-style (leftmost placement, unchanged base first): chr1-161362395-CT-C. GRCh37 (hg19) VCF-style: chr1-161332185-CT-C.
Other names: c.310del, p.Tyr104fs (NM_001035511.3); c.372del, p.Thr125fs (NM_001035512.3); c.315del, p.Thr106fs (NM_001035513.3); c.208del, p.Tyr70fs (NM_001278172.3); c.594del, p.Thr199fs (NM_001407115.1); c.417del, p.Thr140fs (NM_001407116.1); c.411del, p.Thr138fs (NM_001407117.1); c.366del, p.Thr123fs (NM_001407118.1); and 2 more; short protein forms T106fs, T122fs, T123fs, T125fs, T138fs, T140fs, T159fs, T199fs.
Identifiers: ClinVar variation 2631418 (VCV002631418.2), dbSNP rs2526573200, ClinGen allele CA2695199904.

ClinVar aggregate classification (germline): Uncertain significance (1 of 4 stars; one submission).

Conditions:
SDHC-related disorder. Also called: SDHC-related condition.

Submission:

PreventionGenetics, part of Exact Sciences
Classification: Uncertain significance for SDHC-related condition. Last evaluated: 2025-12-16. Review status: criteria provided, single submitter. Criteria: ACMG Guidelines, 2015. Collection method: clinical testing. Allele origin: germline.
Comment: The SDHC c.474delT variant is predicted to result in a frameshift and protein extension (p.Thr159Leufs*112). To our knowledge, this variant has not been reported in the literature or in a large population database (gnomAD), indicating it is rare. This variant resides in the final exon of this gene, and it is unclear if the resulting mRNA would undergo nonsense-mediated decay. Although we suspect that this variant may be pathogenic, at this time, the clinical significance of this variant is uncertain due to the absence of conclusive functional and genetic evidence.